The following is an entry in ClinVar:

ClinVar aggregate classification (germline): Uncertain significance (1 of 4 stars; one submission).

Submission:

GeneDx
Classification: Uncertain significance. Last evaluated: 2022-10-21. Review status: criteria provided, single submitter. Criteria: GeneDx Variant Classification Process June 2021. Collection method: clinical testing. Allele origin: germline. Affected: yes.
Comment: Not observed at significant frequency in large population cohorts (gnomAD); In silico analysis supports that this missense variant has a deleterious effect on protein structure/function; Has not been previously published as pathogenic or benign to our knowledge

NM_001042492.3(NF1):c.1448A>T (p.Asp483Val)

Gene: NF1 (neurofibromin 1; plus strand). Cytogenetic location: 17q11.2.
Variant type: single nucleotide variant.
Coding change: c.1448A>T on transcript NM_001042492.3 (MANE Select); coding-DNA position 1448, A replaced by T.
Protein change: p.Asp483Val; replaces aspartic acid 483 with valine.
Molecular consequence: missense variant.
Genome position (GRCh38, 1-based): chr17:31,214,506, A>T. VCF-style: chr17-31214506-A-T. GRCh37 (hg19) VCF-style: chr17-29541524-A-T.
Other names: c.1448A>T, p.Asp483Val (NM_000267.4, NM_001128147.3); short protein forms D483V.
Identifiers: ClinVar variation 2499760 (VCV002499760.1), dbSNP rs2143959337, ClinGen allele CA399001535.